The following is an entry in ClinVar:

NM_015910.7(WDPCP):c.414T>G (p.Ser138=)

Gene: WDPCP (WD repeat containing planar cell polarity effector; minus strand). Cytogenetic location: 2p15.
Variant type: single nucleotide variant.
Coding change: c.414T>G on transcript NM_015910.7 (MANE Select); coding-DNA position 414, T replaced by G.
Protein change: p.Ser138=; no amino-acid change (serine 138 retained).
Molecular consequence: synonymous variant. On other transcripts: non-coding transcript variant (2).
Genome position (GRCh38, 1-based): chr2:63,439,842, A>C on the plus strand (T>G on the coding strand, the complement: WDPCP is on the minus strand). VCF-style: chr2-63439842-A-C. GRCh37 (hg19) VCF-style: chr2-63666976-A-C.
Other names: c.342T>G, p.Ser114= (NM_001354044.2); c.414T>G, p.Ser138= (NM_001354045.2).
Identifiers: ClinVar variation 3349233 (VCV003349233.1).

ClinVar aggregate classification (germline): Likely benign (0 of 4 stars; one submission).

Conditions:
WDPCP-related disorder. Also called: WDPCP-related condition.

gnomAD v4.1: 2 of 1,613,280 alleles (0.00012%); highest among the groups gnomAD compares: South Asian, 0.0011%; no homozygotes.

Submission:

PreventionGenetics, part of Exact Sciences
Classification: Likely benign for WDPCP-related condition. Last evaluated: 2023-08-30. Review status: no assertion criteria provided. Collection method: clinical testing. Allele origin: germline.
Comment: This variant is classified as likely benign based on ACMG/AMP sequence variant interpretation guidelines (Richards et al. 2015 PMID: 25741868, with internal and published modifications).